The following is an entry in ClinVar:

ClinVar aggregate classification (germline): Conflicting classifications of pathogenicity. Review status: criteria provided, conflicting classifications (1 of 4 stars). 2 submissions from 2 submitters: Uncertain significance (1); Likely benign (1). Last evaluated 2026-10-09.

Conditions:
Early-infantile DEE. Also called: Early infantile epileptic encephalopathy with suppression bursts; Early infantile epileptic encephalopathy; Ohtahara syndrome. Identifiers: Orphanet 1934, MedGen C0393706, MONDO:0800491.

Allele frequency attached by ClinVar (database versions not stated): gnomAD exomes below 0.00001.
gnomAD v4.1: 2 of 1,614,238 alleles (0.00012%); highest among the groups gnomAD compares: Non-Finnish European, 0.00017%; no homozygotes.

Submissions (2):

GeneDx
Classification: Uncertain significance. Last evaluated: 2026-10-09. Review status: criteria provided, single submitter. Criteria: GeneDx Variant Classification Process June 2021. Collection method: clinical testing. Allele origin: germline.
Comment: Not observed at significant frequency in large population cohorts (gnomAD); In silico analysis suggests that this missense variant does not alter protein structure/function; Has not been previously published as pathogenic or benign to our knowledge

Labcorp Genetics (formerly Invitae), Labcorp
Classification: Likely benign for Early-infantile DEE. Last evaluated: 2024-11-13. Review status: criteria provided, single submitter. Criteria: Invitae Variant Classification Sherloc (09022015). Collection method: clinical testing. Allele origin: germline.

NM_001130438.3(SPTAN1):c.2094A>C (p.Glu698Asp)

Gene: SPTAN1 (spectrin alpha, non-erythrocytic 1; plus strand). Cytogenetic location: 9q34.11.
Variant type: single nucleotide variant.
Coding change: c.2094A>C on transcript NM_001130438.3 (MANE Select); coding-DNA position 2094, A replaced by C.
Protein change: p.Glu698Asp; replaces glutamic acid 698 with aspartic acid.
Molecular consequence: missense variant.
Genome position (GRCh38, 1-based): chr9:128,583,870, A>C. VCF-style: chr9-128583870-A-C. GRCh37 (hg19) VCF-style: chr9-131346149-A-C.
Other names: c.2094A>C, p.Glu698Asp (NM_001195532.2, NM_001363759.2, NM_001363765.2 and 1 more transcripts); short protein forms E698D.
Identifiers: ClinVar variation 461216 (VCV000461216.12), dbSNP rs1554746116, ClinGen allele CA375056164.
Genomic context (GRCh38, chr9:128,583,870, plus strand): 5'-CCAGCAACAGCAATTTAATCGCAATGTTGAGGATATTGAATTGTGGCTATATGAAGTAGA[A>C]GGTCACTTGGCTTCGGATGATTACGGCAAAGATCTTACCAATGTGCAGAACCTCCAGAAG-3'
Protein context (NP_001123910.1, residues 688-708): EDIELWLYEV[Glu698Asp]GHLASDDYGK